The following is an entry in ClinVar:

ClinVar aggregate classification (germline): Uncertain significance (1 of 4 stars; one submission).

Conditions:
Familial thoracic aortic aneurysm and aortic dissection (TAAD). Also called: Thoracic aortic aneurysms and dissections. Identifiers: Orphanet 91387, MedGen C4707243, MONDO:0019625.

Allele frequency attached by ClinVar (database versions not stated): gnomAD exomes 0.00001; ExAC 0.00002.
gnomAD v4.1: 4 of 1,614,156 alleles (0.00025%); highest among the groups gnomAD compares: East Asian, 0.0022%; no homozygotes.

Submission:

Labcorp Genetics (formerly Invitae), Labcorp
Classification: Uncertain significance for Familial thoracic aortic aneurysm and aortic dissection. Last evaluated: 2025-07-20. Review status: criteria provided, single submitter. Criteria: Invitae Variant Classification Sherloc (09022015). Collection method: clinical testing. Allele origin: germline.
Comment: This sequence change replaces serine, which is neutral and polar, with leucine, which is neutral and non-polar, at codon 266 of the SMAD3 protein (p.Ser266Leu). This variant is present in population databases (rs753486471, gnomAD 0.006%). This variant has not been reported in the literature in individuals affected with SMAD3-related conditions. ClinVar contains an entry for this variant (Variation ID: 1417802). Invitae Evidence Modeling of protein sequence and biophysical properties (such as structural, functional, and spatial information, amino acid conservation, physicochemical variation, residue mobility, and thermodynamic stability) indicates that this missense variant is not expected to disrupt SMAD3 protein function with a negative predictive value of 80%. In summary, the available evidence is currently insufficient to determine the role of this variant in disease. Therefore, it has been classified as a Variant of Uncertain Significance.

NM_005902.4(SMAD3):c.797C>T (p.Ser266Leu)

Gene: SMAD3 (SMAD family member 3; plus strand). Cytogenetic location: 15q22.33.
Variant type: single nucleotide variant.
Coding change: c.797C>T on transcript NM_005902.4 (MANE Select); coding-DNA position 797, C replaced by T.
Protein change: p.Ser266Leu; replaces serine 266 with leucine.
Molecular consequence: missense variant.
Genome position (GRCh38, 1-based): chr15:67,181,379, C>T. VCF-style: chr15-67181379-C-T. GRCh37 (hg19) VCF-style: chr15-67473717-C-T.
Other names: c.482C>T, p.Ser161Leu (NM_001145102.2); c.665C>T, p.Ser222Leu (NM_001145103.2); c.212C>T, p.Ser71Leu (NM_001145104.2); short protein forms S71L, S161L, S222L, S266L.
Identifiers: ClinVar variation 1417802 (VCV001417802.4), dbSNP rs753486471, ClinGen allele CA062675.
Genomic context (GRCh38, chr15:67,181,379, plus strand): 5'-AGACATTCCACGCCTCGCAGCCATCCATGACTGTGGATGGCTTCACCGACCCCTCCAATT[C>T]GGAGCGCTTCTGCCTAGGGCTGCTCTCCAATGTCAACAGGAATGCAGCAGTGGAGCTGAC-3'
Protein context (NP_005893.1, residues 256-276): TVDGFTDPSN[Ser266Leu]ERFCLGLLSN